The following is an entry in ClinVar:

ClinVar aggregate classification (germline): Uncertain significance. Review status: criteria provided, multiple submitters, no conflicts (2 of 4 stars). 3 submissions from 3 submitters: Uncertain significance (2). 1 of the submissions does not count toward it. Last evaluated 2025-10-18.

Conditions:
Primary ciliary dyskinesia. Also called: Ciliary dyskinesia. Identifiers: Orphanet 244, MedGen C0008780, MONDO:0016575, HP:0012265.

Allele frequency attached by ClinVar (database versions not stated): gnomAD 0.00001; gnomAD exomes 0.00001.
gnomAD v4.1: 10 of 1,614,092 alleles (0.00062%); highest among the groups gnomAD compares: Admixed American, 0.015%; no homozygotes.

Submissions (3):

Ambry Genetics
Classification: Uncertain significance for Primary ciliary dyskinesia. Last evaluated: 2025-10-18. Review status: criteria provided, single submitter. Criteria: Ambry Variant Classification Scheme 2023. Collection method: clinical testing. Allele origin: germline.

Labcorp Genetics (formerly Invitae), Labcorp
Classification: Uncertain significance for Primary ciliary dyskinesia. Last evaluated: 2021-08-20. Review status: criteria provided, single submitter. Criteria: Invitae Variant Classification Sherloc (09022015). Collection method: clinical testing. Allele origin: germline.
Comment: This sequence change replaces lysine with glutamic acid at codon 184 of the DNAI1 protein (p.Lys184Glu). The lysine residue is highly conserved and there is a small physicochemical difference between lysine and glutamic acid. This variant is not present in population databases (ExAC no frequency). This variant has not been reported in the literature in individuals affected with DNAI1-related conditions. Algorithms developed to predict the effect of missense changes on protein structure and function (SIFT, PolyPhen-2, Align-GVGD) all suggest that this variant is likely to be tolerated. In summary, the available evidence is currently insufficient to determine the role of this variant in disease. Therefore, it has been classified as a Variant of Uncertain Significance.

Natera, Inc.
Classification: Uncertain significance for Primary ciliary dyskinesia. Last evaluated: 2020-02-05. Review status: no assertion criteria provided. Collection method: clinical testing. Allele origin: germline. Not counted in ClinVar's aggregate classification.

NM_012144.4(DNAI1):c.550A>G (p.Lys184Glu)

Gene: DNAI1 (dynein axonemal intermediate chain 1; plus strand). Cytogenetic location: 9p13.3.
Variant type: single nucleotide variant.
Coding change: c.550A>G on transcript NM_012144.4 (MANE Select); coding-DNA position 550, A replaced by G.
Protein change: p.Lys184Glu; replaces lysine 184 with glutamic acid.
Molecular consequence: missense variant.
Genome position (GRCh38, 1-based): chr9:34,490,417, A>G. VCF-style: chr9-34490417-A-G. GRCh37 (hg19) VCF-style: chr9-34490415-A-G.
Other names: c.562A>G, p.Lys188Glu (NM_001281428.2); c.550A>G (NM_012144.2); short protein forms K188E, K184E.
Identifiers: ClinVar variation 655591 (VCV000655591.7), dbSNP rs1236356655, ClinGen allele CA373246837.